The following is an entry in ClinVar:

ClinVar aggregate classification (germline): Pathogenic. Review status: criteria provided, multiple submitters, no conflicts (2 of 4 stars). 4 submissions from 4 submitters: Pathogenic (3). 1 of the submissions does not count toward it. Last evaluated 2022-12-23.

Conditions:
Recessive dystrophic epidermolysis bullosa (RDEB). Also called: DYSTROPHIC EPIDERMOLYSIS BULLOSA, AUTOSOMAL RECESSIVE; EPIDERMOLYSIS BULLOSA DYSTROPHICA, HALLOPEAU-SIEMENS TYPE; severe generalized recessive dystrophic epidermolysis bullosa; EPIDERMOLYSIS BULLOSA DYSTROPHICA, GENERALIZED SEVERE, AUTOSOMAL RECESSIVE; epidermolysis bullosa dystrophica, autosomal recessive; Recessive DEB (RDEB). Identifiers: Orphanet 79408, Orphanet 79409, MedGen C0079474, MONDO:0009179, OMIM 226600.
Abnormality of the skin. Identifiers: MedGen C5848159, HP:0000951.

Submissions (4):

Labcorp Genetics (formerly Invitae), Labcorp
Classification: Pathogenic. Last evaluated: 2022-12-23. Review status: criteria provided, single submitter. Criteria: Invitae Variant Classification Sherloc (09022015). Collection method: clinical testing. Allele origin: germline.
Comment: For these reasons, this variant has been classified as Pathogenic. ClinVar contains an entry for this variant (Variation ID: 1180763). This variant is also known as c.6265delC, p.Pro2089fs. This premature translational stop signal has been observed in individual(s) with autosomal recessive epidermolysis bullosa (PMID: 27746867). This variant is not present in population databases (gnomAD no frequency). This sequence change creates a premature translational stop signal (p.Pro2090Leufs*116) in the COL7A1 gene. It is expected to result in an absent or disrupted protein product. Loss-of-function variants in COL7A1 are known to be pathogenic (PMID: 16971478).

Genetics Laboratory, Department of Biology, Semnan University
Classification: Pathogenic for Recessive dystrophic epidermolysis bullosa. Last evaluated: 2022-11-11. Review status: criteria provided, single submitter. Criteria: ACMG Guidelines, 2015. Collection method: research. Allele origin: germline. Inheritance: Autosomal recessive inheritance. Affected: yes. Observed: 1 variant allele, 1 homozygote.
Comment: The identified variant leads to the deletion of nucleotide C in the coding sequence of the COL7A1 gene. Hence, this deletion could alter the amino acid sequence and could leads to a decreased or loss of function of mutated protein.

Kariminejad - Najmabadi Pathology & Genetics Center
Classification: Pathogenic for Abnormality of the skin. Last evaluated: 2021-07-10. Review status: criteria provided, single submitter. Criteria: ACMG Guidelines, 2015. Collection method: clinical testing. Allele origin: germline.

Narges Medical Genetic and Prenatal Diagnosis Lab
Classification: Pathogenic for Recessive dystrophic epidermolysis bullosa. Review status: no assertion criteria provided. Collection method: clinical testing. Allele origin: germline. Inheritance: Autosomal recessive inheritance. Affected: yes. Observed: 1 homozygote. Not counted in ClinVar's aggregate classification.

Literature cited by the submitters: PubMed 27746867 (cited by Labcorp Genetics (formerly Invitae), Labcorp); PubMed 16971478 (cited by Labcorp Genetics (formerly Invitae), Labcorp); DOI 10.1016/j.genrep.2020.100862 (cited by Genetics Laboratory, Department of Biology, Semnan University).

NM_000094.4(COL7A1):c.6269del (p.Pro2090fs)

Gene: COL7A1 (collagen type VII alpha 1 chain; minus strand). Cytogenetic location: 3p21.31.
Variant type: Deletion.
Coding change: c.6269del on transcript NM_000094.4 (MANE Select); coding-DNA position 6269, one base deleted (C; older notation c.6269delC).
Protein change: p.Pro2090fs; shifts the reading frame from proline 2090.
Molecular consequence: frameshift variant.
Genome position (GRCh38, 1-based): chr3:48,575,074, G deleted on the plus strand (C on the coding strand, the reverse complement: COL7A1 is on the minus strand); the first of 5 consecutive G bases (chr3:48,575,074-48,575,078); deleting any one gives the same sequence. VCF-style (leftmost placement, unchanged base first): chr3-48575073-AG-A. GRCh37 (hg19) VCF-style: chr3-48612506-AG-A.
Other names: c.6269delC (NM_000094.4); short protein forms P2090fs.
Identifiers: ClinVar variation 1180763 (VCV001180763.6), dbSNP rs2044195570, ClinGen allele CA2523193499.